The following is an entry in ClinVar:

ClinVar aggregate classification (germline): Uncertain significance. Review status: criteria provided, multiple submitters, no conflicts (2 of 4 stars). 2 submissions from 2 submitters: Uncertain significance (2). Last evaluated 2025-02-25.

Conditions:
Inborn genetic diseases. Identifiers: MedGen C0950123, MeSH D030342.
Charcot-Marie-Tooth disease type 4. Also called: Charcot-Marie-Tooth disease, type IV; Charcot-Marie-Tooth, Type 4. Identifiers: Orphanet 64749, MedGen C4082197, MONDO:0018995.

Allele frequency attached by ClinVar (database versions not stated): ExAC 0.00003; gnomAD exomes 0.00004 and 0.00008; gnomAD 0.00005 and 0.00006; TOPMed 0.00005; 1000 Genomes Project 0.00020; 1000 Genomes Project 30x 0.00031.
gnomAD v4.1: 121 of 1,613,914 alleles (0.0075%); highest among the groups gnomAD compares: Non-Finnish European, 0.0096%; no homozygotes.

Submissions (2):

Ambry Genetics
Classification: Uncertain significance for Inborn genetic diseases. Last evaluated: 2025-02-25. Review status: criteria provided, single submitter. Criteria: Ambry Variant Classification Scheme 2023. Collection method: clinical testing. Allele origin: germline.

Labcorp Genetics (formerly Invitae), Labcorp
Classification: Uncertain significance for Charcot-Marie-Tooth disease type 4. Last evaluated: 2022-02-08. Review status: criteria provided, single submitter. Criteria: Invitae Variant Classification Sherloc (09022015). Collection method: clinical testing. Allele origin: germline.
Comment: This sequence change replaces arginine, which is basic and polar, with cysteine, which is neutral and slightly polar, at codon 1080 of the PRX protein (p.Arg1080Cys). This variant is present in population databases (rs200045096, gnomAD 0.005%). This variant has not been reported in the literature in individuals affected with PRX-related conditions. ClinVar contains an entry for this variant (Variation ID: 580589). Algorithms developed to predict the effect of missense changes on protein structure and function are either unavailable or do not agree on the potential impact of this missense change (SIFT: "Deleterious"; PolyPhen-2: "Possibly Damaging"; Align-GVGD: "Class C0"). In summary, the available evidence is currently insufficient to determine the role of this variant in disease. Therefore, it has been classified as a Variant of Uncertain Significance.

NM_181882.3(PRX):c.3238C>T (p.Arg1080Cys)

Gene: PRX (periaxin; minus strand). Cytogenetic location: 19q13.2.
Variant type: single nucleotide variant.
Coding change: c.3238C>T on transcript NM_181882.3 (MANE Select); coding-DNA position 3238, C replaced by T.
Protein change: p.Arg1080Cys; replaces arginine 1080 with cysteine.
Molecular consequence: missense variant. On other transcripts: 3 prime UTR variant (1).
Genome position (GRCh38, 1-based): chr19:40,395,114, G>A on the plus strand (C>T on the coding strand, the complement: PRX is on the minus strand). VCF-style: chr19-40395114-G-A. GRCh37 (hg19) VCF-style: chr19-40901021-G-A.
Other names: c.*3443C>T (NM_020956.2); short protein forms R1080C.
Identifiers: ClinVar variation 580589 (VCV000580589.11), dbSNP rs200045096, ClinGen allele CA9443903.
Genomic context (GRCh38, chr19:40,395,114, plus strand): 5'-CCACCTCGGGGATCTTAAGCTGCACAGCGGTGGACTCAGCCTTTTCCCCCGGGCTGGCAC[G>A]ATCACCTTGAACTTCTGCTTCCTTCCCTCGAGCCAGCCCAAAGGAAGGCATCTTCAGCTT-3'
Protein context (NP_870998.2, residues 1070-1090): RGKEAEVQGD[Arg1080Cys]ASPGEKAEST